The following is an entry in ClinVar:

ClinVar aggregate classification (germline): Uncertain significance (1 of 4 stars; one submission).

Conditions:
Hereditary cancer-predisposing syndrome. Also called: Hereditary Cancer Syndrome; Hereditary neoplastic syndrome; Neoplastic Syndromes, Hereditary; Tumor predisposition. Identifiers: Orphanet 140162, MedGen C0027672, MeSH D009386, MONDO:0015356.

Submission:

Ambry Genetics
Classification: Uncertain significance for Hereditary cancer-predisposing syndrome. Last evaluated: 2026-08-20. Review status: criteria provided, single submitter. Criteria: Ambry Variant Classification Scheme 2023. Collection method: clinical testing. Allele origin: germline.
Comment: The p.G925A variant (also known as c.2774G>C), located in coding exon 4 of the MSH6 gene, results from a G to C substitution at nucleotide position 2774. The glycine at codon 925 is replaced by alanine, an amino acid with similar properties. This amino acid position is conserved. In addition, this alteration is predicted to be deleterious by in silico analysis. Based on the available evidence, the clinical significance of this variant remains unclear.

NM_000179.3(MSH6):c.2774G>C (p.Gly925Ala)

Gene: MSH6 (mutS homolog 6; plus strand). Cytogenetic location: 2p16.3.
Variant type: single nucleotide variant.
Coding change: c.2774G>C on transcript NM_000179.3 (MANE Select); coding-DNA position 2774, G replaced by C.
Protein change: p.Gly925Ala; replaces glycine 925 with alanine.
Molecular consequence: missense variant.
Genome position (GRCh38, 1-based): chr2:47,800,757, G>C. VCF-style: chr2-47800757-G-C. GRCh37 (hg19) VCF-style: chr2-48027896-G-C.
Other names: c.2249G>C, p.Gly750Ala (NM_001406799.1, NM_001406806.1, NM_001406807.1); c.2774G>C, p.Gly925Ala (NM_001406800.1, NM_001406808.1, NM_001406809.1 and 2 more transcripts); c.2477G>C, p.Gly826Ala (NM_001406801.1, NM_001406805.1, NM_001406821.1 and 10 more transcripts); c.2870G>C, p.Gly957Ala (NM_001406802.1, NM_001406795.1); c.2696G>C, p.Gly899Ala (NM_001406804.1); c.1868G>C, p.Gly623Ala (NM_001406823.1, NM_001406829.1, NM_001281493.2 and 6 more transcripts); c.2606G>C, p.Gly869Ala (NM_001406826.1); c.2384G>C, p.Gly795Ala (NM_001281492.2); and 2 more; short protein forms G623A, G795A, G957A, G869A, G826A, G899A, G925A, G240A.
Identifiers: ClinVar variation 1795836 (VCV001795836.3), dbSNP rs2104423446, ClinGen allele CA346755467.